The following is an entry in ClinVar:

NM_004958.4(MTOR):c.1063A>G (p.Thr355Ala)

Gene: MTOR (mechanistic target of rapamycin kinase; minus strand). Cytogenetic location: 1p36.22.
Variant type: single nucleotide variant.
Coding change: c.1063A>G on transcript NM_004958.4 (MANE Select); coding-DNA position 1063, A replaced by G.
Protein change: p.Thr355Ala; replaces threonine 355 with alanine.
Molecular consequence: missense variant. On other transcripts: 5 prime UTR variant (1).
Genome position (GRCh38, 1-based): chr1:11,247,872, T>C on the plus strand (A>G on the coding strand, the complement: MTOR is on the minus strand). VCF-style: chr1-11247872-T-C. GRCh37 (hg19) VCF-style: chr1-11307929-T-C.
Other names: c.1063A>G, p.Thr355Ala (NM_001386500.1); c.-77A>G (NM_001386501.1); short protein forms T355A.
Identifiers: ClinVar variation 1506281 (VCV001506281.8), dbSNP rs537876647, ClinGen allele CA17951519.

ClinVar aggregate classification (germline): Uncertain significance (1 of 4 stars; one submission).

Allele frequency attached by ClinVar (database versions not stated): gnomAD 0.00001; 1000 Genomes Project 30x 0.00016; 1000 Genomes Project 0.00020.
gnomAD v4.1: 1 of 1,614,126 alleles (0.000062%); highest among the groups gnomAD compares: East Asian, 0.0022%; no homozygotes.

Submission:

Labcorp Genetics (formerly Invitae), Labcorp
Classification: Uncertain significance. Last evaluated: 2022-08-15. Review status: criteria provided, single submitter. Criteria: Invitae Variant Classification Sherloc (09022015). Collection method: clinical testing. Allele origin: germline.
Comment: ClinVar contains an entry for this variant (Variation ID: 1506281). This variant has not been reported in the literature in individuals affected with MTOR-related conditions. This variant is not present in population databases (gnomAD no frequency). This sequence change replaces threonine, which is neutral and polar, with alanine, which is neutral and non-polar, at codon 355 of the MTOR protein (p.Thr355Ala). In summary, the available evidence is currently insufficient to determine the role of this variant in disease. Therefore, it has been classified as a Variant of Uncertain Significance. Advanced modeling of protein sequence and biophysical properties (such as structural, functional, and spatial information, amino acid conservation, physicochemical variation, residue mobility, and thermodynamic stability) performed at Invitae indicates that this missense variant is not expected to disrupt MTOR protein function.